The following is an entry in ClinVar:

ClinVar aggregate classification (germline): Uncertain significance (1 of 4 stars; one submission).

Submission:

GeneDx
Classification: Uncertain significance. Last evaluated: 2024-01-18. Review status: criteria provided, single submitter. Criteria: GeneDx Variant Classification Process June 2021. Collection method: clinical testing. Allele origin: germline. Affected: yes.
Comment: Not observed at significant frequency in large population cohorts (gnomAD); In silico analysis supports that this missense variant has a deleterious effect on protein structure/function; Has not been previously published as pathogenic or benign to our knowledge

NM_000260.4(MYO7A):c.5294A>C (p.Glu1765Ala)

Gene: MYO7A (myosin VIIA; plus strand). Cytogenetic location: 11q13.5.
Variant type: single nucleotide variant.
Coding change: c.5294A>C on transcript NM_000260.4 (MANE Select); coding-DNA position 5294, A replaced by C.
Protein change: p.Glu1765Ala; replaces glutamic acid 1765 with alanine.
Molecular consequence: missense variant.
Genome position (GRCh38, 1-based): chr11:77,203,185, A>C. VCF-style: chr11-77203185-A-C. GRCh37 (hg19) VCF-style: chr11-76914230-A-C.
Other names: c.5180A>C, p.Glu1727Ala (NM_001127180.2); c.5147A>C, p.Glu1716Ala (NM_001369365.1); short protein forms E1716A, E1727A, E1765A.
Identifiers: ClinVar variation 3367994 (VCV003367994.1).